The following is an entry in ClinVar:

ClinVar aggregate classification (germline): Pathogenic. Review status: criteria provided, single submitter (1 of 4 stars). 2 submissions from 2 submitters: Pathogenic (1). 1 of the submissions does not count toward it. Last evaluated 2023-02-22.

Conditions:
Hereditary breast ovarian cancer syndrome. Also called: Hereditary breast and ovarian cancer syndrome; Hereditary breast and ovarian cancer; Hereditary breast and ovarian cancer syndrome (HBOC); BRCA1- and BRCA2-Associated Hereditary Breast and Ovarian Cancer; Hereditary breast and/or ovarian cancer syndrome; Breast and ovarian cancer. Identifiers: Orphanet 145, MedGen C0677776, MeSH D061325, MONDO:0003582. Disease mechanism: loss of function.
Malignant tumor of breast. Also called: Malignant breast neoplasm; Cancer breast. Identifiers: MedGen C0006142, MONDO:0007254. Disease mechanism: loss of function.

Submissions (2):

Labcorp Genetics (formerly Invitae), Labcorp
Classification: Pathogenic for Hereditary breast ovarian cancer syndrome. Last evaluated: 2023-02-22. Review status: criteria provided, single submitter. Criteria: Invitae Variant Classification Sherloc (09022015). Collection method: clinical testing. Allele origin: germline.
Comment: ClinVar contains an entry for this variant (Variation ID: 1050371). This premature translational stop signal has been observed in individual(s) with breast cancer (PMID: 32885271). This variant is not present in population databases (gnomAD no frequency). This sequence change creates a premature translational stop signal (p.Glu237*) in the BRCA1 gene. It is expected to result in an absent or disrupted protein product. Loss-of-function variants in BRCA1 are known to be pathogenic (PMID: 20104584). For these reasons, this variant has been classified as Pathogenic.

Department of Pathology and Laboratory Medicine, Sinai Health System
Classification: Pathogenic for Malignant tumor of breast. Review status: no assertion criteria provided. Collection method: clinical testing. Allele origin: unknown. Affected: yes. Observed: 1 variant allele. Study: The Canadian Open Genetics Repository (COGR). Not counted in ClinVar's aggregate classification.
Comment: The BRCA1 p.Glu237X variant was not identified in the literature nor was it identified in the dbSNP, ClinVar, Clinvitae, GeneInsight-COGR, Cosmic, MutDB, LOVD 3.0, UMD-LSDB, BIC Database, ARUP Laboratories, Zhejiang Colon Cancer Database, databases. The variant was not identified in the 1000 Genomes Project, the NHLBI GO Exome Sequencing Project or the Exome Aggregation Consortium (August 8th 2016) control databases. The p.Glu237X variant leads to a premature stop codon at position 237, which is predicted to lead to a truncated or absent protein and loss of function. Loss of function variants of the BRCA1 gene are an established mechanism of disease in breast cancer and is the type of variant expected to cause the disorder. In summary, based on the above information this variant meets our laboratoryâ€šÃ„Ã´s criteria to be classified as pathogenic.

Literature cited by the submitters: PubMed 32885271 (cited by Labcorp Genetics (formerly Invitae), Labcorp); PubMed 20104584 (cited by Labcorp Genetics (formerly Invitae), Labcorp).

NM_007294.4(BRCA1):c.709G>T (p.Glu237Ter)

Gene: BRCA1 (BRCA1 DNA repair associated; minus strand). Cytogenetic location: 17q21.31.
Variant type: single nucleotide variant.
Coding change: c.709G>T on transcript NM_007294.4 (MANE Select); coding-DNA position 709, G replaced by T.
Protein change: p.Glu237Ter; replaces glutamic acid 237 with a stop codon.
Molecular consequence: nonsense. On other transcripts: non-coding transcript variant (1).
Genome position (GRCh38, 1-based): chr17:43,094,822, C>A on the plus strand (G>T on the coding strand, the complement: BRCA1 is on the minus strand). VCF-style: chr17-43094822-C-A. GRCh37 (hg19) VCF-style: chr17-41246839-C-A.
Other names: c.376G>T, p.Glu126Ter (NM_001407947.1, NM_001407948.1, NM_001407953.1 and 7 more transcripts); c.373G>T, p.Glu125Ter (NM_001407954.1, NM_001407955.1, NM_001407956.1 and 3 more transcripts); c.706G>T, p.Glu236Ter (NM_001407611.1, NM_001407612.1, NM_001407613.1 and 38 more transcripts); c.709G>T, p.Glu237Ter (NM_001407605.1, NM_001407616.1, NM_001407617.1 and 54 more transcripts); c.700G>T, p.Glu234Ter (NM_001407646.1, NM_001407647.1, NM_001408408.1); c.586G>T, p.Glu196Ter (NM_001407648.1, NM_001407664.1, NM_001407665.1 and 34 more transcripts); c.583G>T, p.Glu195Ter (NM_001407649.1, NM_001407670.1, NM_001407671.1 and 20 more transcripts); c.631G>T, p.Glu211Ter (NM_001407653.1, NM_001407654.1, NM_001407655.1 and 9 more transcripts); and 14 more; short protein forms E190*, E237*, E126*, E148*, E149*, E192*, E234*, E236*.
Identifiers: ClinVar variation 1050371 (VCV001050371.6), dbSNP rs2154496548, ClinGen allele CA10600668.